The following is an entry in ClinVar:

ClinVar aggregate classification (germline): Uncertain significance. Review status: criteria provided, multiple submitters, no conflicts (2 of 4 stars). 2 submissions from 2 submitters: Uncertain significance (2). Last evaluated 2024-10-02.

Conditions:
Cardiovascular phenotype. Identifiers: MedGen CN230736.

Allele frequency attached by ClinVar (database versions not stated): gnomAD 0.00001 and 0.00002; gnomAD exomes 0.00001; TOPMed 0.00002.
gnomAD v4.1: 18 of 1,610,830 alleles (0.0011%); highest among the groups gnomAD compares: Non-Finnish European, 0.0014%; no homozygotes.

Submissions (2):

Ambry Genetics
Classification: Uncertain significance for Cardiovascular phenotype. Last evaluated: 2024-10-02. Review status: criteria provided, single submitter. Criteria: Ambry Variant Classification Scheme 2023. Collection method: clinical testing. Allele origin: germline.
Comment: The c.406G>T variant (also known as p.A136S), located in coding exon 3 of the ABCC9 gene, results from a G to T substitution at nucleotide position 406. The amino acid change results in alanine to serine at codon 136, an amino acid with similar properties. However, this change occurs in the last base pair of coding exon 3, which makes it likely to have some effect on normal mRNA splicing. This nucleotide position is highly conserved in available vertebrate species. In silico splice site analysis predicts that this alteration may weaken the native splice donor site. This amino acid position is well conserved in available vertebrate species. In addition, as a missense substitution this is predicted to be inconclusive by in silico analysis. Based on the available evidence, the clinical significance of this variant remains unclear.

GeneDx
Classification: Uncertain significance. Last evaluated: 2019-07-11. Review status: criteria provided, single submitter. Criteria: GeneDx Variant Classification Process June 2021. Collection method: clinical testing. Allele origin: germline. Affected: yes.
Comment: Has not been previously published as pathogenic or benign to our knowledge; Not observed at a significant frequency in large population cohorts (Lek et al., 2016); In silico analysis, which includes protein predictors and evolutionary conservation, supports that this variant does not alter protein structure/function

NM_020297.4(ABCC9):c.406G>T (p.Ala136Ser)

Gene: ABCC9 (ATP binding cassette subfamily C member 9; minus strand). Cytogenetic location: 12p12.1.
Variant type: single nucleotide variant.
Coding change: c.406G>T on transcript NM_020297.4 (MANE Select); coding-DNA position 406, G replaced by T.
Protein change: p.Ala136Ser; replaces alanine 136 with serine.
Molecular consequence: missense variant. On other transcripts: 5 prime UTR variant (1).
Genome position (GRCh38, 1-based): chr12:21,925,942, C>A on the plus strand (G>T on the coding strand, the complement: ABCC9 is on the minus strand). VCF-style: chr12-21925942-C-A. GRCh37 (hg19) VCF-style: chr12-22078876-C-A.
Other names: c.406G>T, p.Ala136Ser (NM_001377273.1, NM_005691.4); c.-49G>T (NM_001377274.1); c.406G>T (NM_005691.2); short protein forms A136S.
Identifiers: ClinVar variation 1304720 (VCV001304720.3), dbSNP rs1395854883, ClinGen allele CA384129084.
Genomic context (GRCh38, chr12:21,925,942, plus strand): 5'-CCTTTGGGGGGAAAAACAAATATCTCTTTAAGGAGAAACAACAAAAGTGATCATACTTAC[C>A]TAAAAGTAATTTAGGAAAATTTGATGTTTCGATATTATGATAATACACTATCGATGTTGT-3'
Protein context (NP_064693.2, residues 126-146): ETSNFPKLLL[Ala136Ser]LFLYWVMAFI